The following is an entry in ClinVar:

NM_001851.6(COL9A1):c.1877del (p.Ser626fs)

Gene: COL9A1 (collagen type IX alpha 1 chain; minus strand). Cytogenetic location: 6q13.
Variant type: Deletion.
Coding change: c.1877del on transcript NM_001851.6 (MANE Select); coding-DNA position 1877, one base deleted (G; older notation c.1877delG).
Protein change: p.Ser626fs; shifts the reading frame from serine 626.
Molecular consequence: frameshift variant. On other transcripts: non-coding transcript variant (1).
Genome position (GRCh38, 1-based): chr6:70,242,711, C deleted on the plus strand (G on the coding strand, the reverse complement: COL9A1 is on the minus strand). VCF-style (leftmost placement, unchanged base first): chr6-70242710-AC-A. GRCh37 (hg19) VCF-style: chr6-70952413-AC-A.
Other names: c.1178del, p.Ser393fs (NM_001377289.1); c.1148del, p.Ser383fs (NM_001377290.1, NM_078485.4); short protein forms S393fs, S626fs, S383fs.
Identifiers: ClinVar variation 1395500 (VCV001395500.6), dbSNP rs2127566670, ClinGen allele CA2573141088.

ClinVar aggregate classification (germline): Pathogenic (1 of 4 stars; one submission).

Submission:

Labcorp Genetics (formerly Invitae), Labcorp
Classification: Pathogenic. Last evaluated: 2021-06-25. Review status: criteria provided, single submitter. Criteria: Invitae Variant Classification Sherloc (09022015). Collection method: clinical testing. Allele origin: germline.
Comment: For these reasons, this variant has been classified as Pathogenic. This variant has not been reported in the literature in individuals affected with COL9A1-related conditions. This variant is not present in population databases (ExAC no frequency). This sequence change creates a premature translational stop signal (p.Ser626Ilefs*5) in the COL9A1 gene. It is expected to result in an absent or disrupted protein product. Loss-of-function variants in COL9A1 are known to be pathogenic (PMID: 16909383, 21421862).

Literature cited by the submitters: PubMed 16909383; PubMed 21421862.